The following is an entry in ClinVar:

ClinVar aggregate classification (germline): Benign. Review status: criteria provided, multiple submitters, no conflicts (2 of 4 stars). 3 submissions from 3 submitters: Benign (2). 1 of the submissions does not count toward it. Last evaluated 2018-10-17.

Conditions:
SCARB1-related disorder. Also called: SCARB1-related condition.

Allele frequency attached by ClinVar (database versions not stated): ESP Exome Variant Server 0.00176; gnomAD 0.02438 and 0.03031; gnomAD exomes 0.02498; TOPMed 0.03965; ExAC 0.09115; 1000 Genomes Project 30x 0.10478; 1000 Genomes Project 0.11022.
gnomAD v4.1: 21,351 of 1,230,548 alleles (1.7%); highest among the groups gnomAD compares: East Asian, 45%; 3,453 homozygotes.

Submissions (3):

GeneDx
Classification: Benign. Last evaluated: 2018-10-17. Review status: criteria provided, single submitter. Criteria: GeneDx Variant Classification Process June 2021. Collection method: clinical testing. Allele origin: germline. Affected: yes.

Breakthrough Genomics
Classification: Benign. Review status: criteria provided, single submitter. Criteria: ACMG Guidelines, 2015. Collection method: not provided. Allele origin: germline. Inheritance: Unknown mechanism. Affected: yes.

PreventionGenetics, part of Exact Sciences
Classification: Benign for SCARB1-related condition. Last evaluated: 2019-07-08. Review status: no assertion criteria provided. Collection method: clinical testing. Allele origin: germline. Not counted in ClinVar's aggregate classification.
Comment: This variant is classified as benign based on ACMG/AMP sequence variant interpretation guidelines (Richards et al. 2015 PMID: 25741868, with internal and published modifications).

NM_005505.5(SCARB1):c.*72G>A

Gene: SCARB1 (scavenger receptor class B member 1; minus strand). Cytogenetic location: 12q24.31.
Variant type: single nucleotide variant.
Coding change: c.*72G>A on transcript NM_005505.5 (MANE Select); 72 bases downstream of the stop codon, G replaced by A.
Molecular consequence: 3 prime UTR variant. On other transcripts: synonymous variant (2), non-coding transcript variant (9).
Genome position (GRCh38, 1-based): chr12:124,778,515, C>T on the plus strand (G>A on the coding strand, the complement: SCARB1 is on the minus strand). VCF-style: chr12-124778515-C-T. GRCh37 (hg19) VCF-style: chr12-125263061-C-T.
Other names: c.1473G>A, p.Pro491= (NM_001082959.2); c.*64G>A (NM_001367981.1); c.*72G>A (NM_001367983.1, NM_001367984.1, NM_001367985.1 and 2 more transcripts); c.1275G>A, p.Pro425= (NM_001367987.1); c.*83G>A (NM_001367989.1); c.1473G>A (NM_001082959.1).
Identifiers: ClinVar variation 1181016 (VCV001181016.5), dbSNP rs3825140, ClinGen allele CA6870110.